The following is an entry in ClinVar:

ClinVar aggregate classification (germline): Conflicting classifications of pathogenicity. Review status: criteria provided, conflicting classifications (1 of 4 stars). 4 submissions from 4 submitters: Uncertain significance (1); Likely benign (3). Last evaluated 2026-01-12.

Conditions:
Multiple congenital anomalies/dysmorphic syndrome. Identifiers: Orphanet 68341, MedGen C5681310, MONDO:0019042.

Allele frequency attached by ClinVar (database versions not stated): 1000 Genomes Project 30x 0.00031; ESP Exome Variant Server 0.00052; gnomAD exomes 0.00053 and 0.00093; TOPMed 0.00055; ExAC 0.00066; gnomAD 0.00074 and 0.00078.
gnomAD v4.1: 1,390 of 1,546,560 alleles (0.09%); highest among the groups gnomAD compares: Non-Finnish European, 0.11%; 2 homozygotes.

Submissions (4):

Labcorp Genetics (formerly Invitae), Labcorp
Classification: Likely benign. Last evaluated: 2026-01-12. Review status: criteria provided, single submitter. Criteria: Invitae Variant Classification Sherloc (09022015). Collection method: clinical testing. Allele origin: germline.

CeGaT Center for Human Genetics Tuebingen
Classification: Likely benign. Last evaluated: 2025-01-01. Review status: criteria provided, single submitter. Criteria: CeGaT Center For Human Genetics Tuebingen Variant Classification Criteria Version 2. Collection method: clinical testing. Allele origin: germline. Affected: yes. Observed: 2 variant alleles.
Comment: HERC1: BP4, BP7

GeneDx
Classification: Likely benign. Last evaluated: 2020-10-27. Review status: criteria provided, single submitter. Criteria: GeneDx Variant Classification Process June 2021. Collection method: clinical testing. Allele origin: germline. Affected: yes.

Cambridge Genomics Laboratory, East Genomic Laboratory Hub, NHS Genomic Medicine Service
Classification: Uncertain significance for Multiple congenital anomalies/dysmorphic syndrome. Last evaluated: 2019-04-29. Review status: criteria provided, single submitter. Criteria: ACGS Best Practice Guidelines for Variant Classification in Rare Disease 2020. Collection method: clinical testing. Allele origin: germline. Affected: yes. Observed: 1 variant allele.

NM_003922.4(HERC1):c.12096C>T (p.Val4032=)

Gene: HERC1 (HECT and RLD domain containing E3 ubiquitin protein ligase family member 1; minus strand). Cytogenetic location: 15q22.31.
Variant type: single nucleotide variant.
Coding change: c.12096C>T on transcript NM_003922.4 (MANE Select); coding-DNA position 12096, C replaced by T.
Protein change: p.Val4032=; no amino-acid change (valine 4032 retained).
Molecular consequence: synonymous variant.
Genome position (GRCh38, 1-based): chr15:63,637,641, G>A on the plus strand (C>T on the coding strand, the complement: HERC1 is on the minus strand). VCF-style: chr15-63637641-G-A. GRCh37 (hg19) VCF-style: chr15-63929840-G-A.
Identifiers: ClinVar variation 715241 (VCV000715241.33), dbSNP rs370890182, ClinGen allele CA7604059.